The following is an entry in ClinVar:

NM_001264.5(CDSN):c.1364del (p.Ser455fs)

Genes: CDSN (corneodesmosin; minus strand), PSORS1C1 (psoriasis susceptibility 1 candidate 1; plus strand). Cytogenetic location: 6p21.33.
Variant type: Deletion.
Coding change: c.1364del on transcript NM_001264.5 (MANE Select); coding-DNA position 1364, one base deleted (C; older notation c.1364delC).
Protein change: p.Ser455fs; shifts the reading frame from serine 455.
Molecular consequence: frameshift variant. On other transcripts: intron variant (1).
Genome position (GRCh38, 1-based): chr6:31,116,251, G deleted on the plus strand (C on the coding strand, the reverse complement: CDSN is on the minus strand). VCF-style (leftmost placement, unchanged base first): chr6-31116250-AG-A. GRCh37 (hg19) VCF-style: chr6-31084027-AG-A.
Other names: c.-229+1360del (NM_014068.3); short protein forms S455fs.
Identifiers: ClinVar variation 1967420 (VCV001967420.5), dbSNP rs1772107812, ClinGen allele CA1087423943.

ClinVar aggregate classification (germline): Uncertain significance (1 of 4 stars; one submission).

Allele frequency attached by ClinVar (database versions not stated): gnomAD 0.00001; gnomAD exomes 0.00001; TOPMed 0.00001.

Submission:

Labcorp Genetics (formerly Invitae), Labcorp
Classification: Uncertain significance. Last evaluated: 2024-05-28. Review status: criteria provided, single submitter. Criteria: Invitae Variant Classification Sherloc (09022015). Collection method: clinical testing. Allele origin: germline.
Comment: This sequence change creates a premature translational stop signal (p.Ser455Leufs*11) in the CDSN gene. While this is not anticipated to result in nonsense mediated decay, it is expected to disrupt the last 75 amino acid(s) of the CDSN protein. This variant is not present in population databases (gnomAD no frequency). This variant has not been reported in the literature in individuals affected with CDSN-related conditions. ClinVar contains an entry for this variant (Variation ID: 1967420). Experimental studies and prediction algorithms are not available or were not evaluated, and the functional significance of this variant is currently unknown. In summary, the available evidence is currently insufficient to determine the role of this variant in disease. Therefore, it has been classified as a Variant of Uncertain Significance.